The following is an entry in ClinVar:

ClinVar aggregate classification (germline): Benign (0 of 4 stars; one submission).

Conditions:
DNAH17-related disorder. Also called: DNAH17-related condition.

Allele frequency attached by ClinVar (database versions not stated): ESP Exome Variant Server 0.00872; 1000 Genomes Project 30x 0.00937; ExAC 0.00421; 1000 Genomes Project 0.00839.
gnomAD v4.1: 2,634 of 1,551,204 alleles (0.17%); highest among the groups gnomAD compares: African/African-American, 3.3%; 44 homozygotes.

Submission:

PreventionGenetics, part of Exact Sciences
Classification: Benign for DNAH17-related condition. Last evaluated: 2019-06-11. Review status: no assertion criteria provided. Collection method: clinical testing. Allele origin: germline.
Comment: This variant is classified as benign based on ACMG/AMP sequence variant interpretation guidelines (Richards et al. 2015 PMID: 25741868, with internal and published modifications).

NM_173628.4(DNAH17):c.1871A>G (p.Gln624Arg)

Gene: DNAH17 (dynein axonemal heavy chain 17; minus strand). Cytogenetic location: 17q25.3.
Variant type: single nucleotide variant.
Coding change: c.1871A>G on transcript NM_173628.4 (MANE Select); coding-DNA position 1871, A replaced by G.
Protein change: p.Gln624Arg; replaces glutamine 624 with arginine.
Molecular consequence: missense variant.
Genome position (GRCh38, 1-based): chr17:78,560,900, T>C on the plus strand (A>G on the coding strand, the complement: DNAH17 is on the minus strand). VCF-style: chr17-78560900-T-C. GRCh37 (hg19) VCF-style: chr17-76556982-T-C.
Other names: short protein forms Q624R.
Identifiers: ClinVar variation 3038360 (VCV003038360.2), dbSNP rs61742179, ClinGen allele CA8804974.